The following is an entry in ClinVar:

ClinVar aggregate classification (germline): Pathogenic (1 of 4 stars; one submission).

Conditions:
Neurofibromatosis, type 1 (NF1). Also called: Peripheral type neurofibromatosis; VON RECKLINGHAUSEN DISEASE; NEUROFIBROMATOSIS, TYPE I, SOMATIC; Neurofibromatosis, type I. Identifiers: Orphanet 636, MedGen C0027831, MONDO:0018975, OMIM 162200. Disease mechanism: loss of function.

Submission:

Labcorp Genetics (formerly Invitae), Labcorp
Classification: Pathogenic for Neurofibromatosis, type 1. Last evaluated: 2021-01-31. Review status: criteria provided, single submitter. Criteria: Invitae Variant Classification Sherloc (09022015). Collection method: clinical testing. Allele origin: germline.
Comment: This sequence change creates a premature translational stop signal (p.Gln112Asnfs*54) in the NF1 gene. It is expected to result in an absent or disrupted protein product. Loss-of-function variants in NF1 are known to be pathogenic (PMID: 10712197, 23913538). For these reasons, this variant has been classified as Pathogenic. This variant has not been reported in the literature in individuals with NF1-related conditions. This variant is not present in population databases (ExAC no frequency).

Literature cited by the submitters: PubMed 10712197; PubMed 23913538.

NM_001042492.3(NF1):c.332_333dup (p.Gln112fs)

Gene: NF1 (neurofibromin 1; plus strand). Cytogenetic location: 17q11.2.
Variant type: Duplication.
Coding change: c.332_333dup on transcript NM_001042492.3 (MANE Select); coding-DNA positions 332 to 333, 2 bases duplicated (AA; older notation c.332_333dupAA).
Protein change: p.Gln112fs; shifts the reading frame from glutamine 112.
Molecular consequence: frameshift variant.
Genome position (GRCh38, 1-based): chr17:31,163,229-31,163,230, AA duplicated; duplicating any 2 consecutive bases within chr17:31,163,228-31,163,230 gives the same sequence; the c. name uses the placement nearest the transcript's 3' end. VCF-style (leftmost placement, unchanged base first): chr17-31163227-C-CAA. GRCh37 (hg19) VCF-style: chr17-29490245-C-CAA.
Other names: c.332_333dup, p.Gln112Asnfs (NM_000267.4); c.332_333dup, p.Gln112fs (NM_001128147.3); short protein forms Q112fs.
Identifiers: ClinVar variation 1436311 (VCV001436311.6), dbSNP rs1597635722, ClinGen allele CA2573153563.